The following is an entry in ClinVar:

ClinVar aggregate classification (germline): Conflicting classifications of pathogenicity. Review status: criteria provided, conflicting classifications (1 of 4 stars). 4 submissions from 4 submitters: Uncertain significance (2); Benign (1); Likely benign (1). Last evaluated 2025-12-10.

Conditions:
Classic or attenuated familial adenomatous polyposis. Identifiers: MedGen CN372698, MONDO:0021057.
Hereditary cancer-predisposing syndrome. Also called: Neoplastic Syndromes, Hereditary; Tumor predisposition; Hereditary Cancer Syndrome; Hereditary neoplastic syndrome. Identifiers: Orphanet 140162, MedGen C0027672, MeSH D009386, MONDO:0015356.
Familial adenomatous polyposis 1 (FAP1). Also called: FAMILIAL ADENOMATOUS POLYPOSIS 1, ATTENUATED; POLYPOSIS, ADENOMATOUS INTESTINAL. Identifiers: MedGen C2713442, MONDO:0021056, OMIM 175100. Disease mechanism: loss of function.

Allele frequency attached by ClinVar (database versions not stated): gnomAD exomes below 0.00001; gnomAD 0.00001; 1000 Genomes Project 30x 0.00016; 1000 Genomes Project 0.00020.
gnomAD v4.1: 7 of 1,614,152 alleles (0.00043%); highest among the groups gnomAD compares: East Asian, 0.016%; no homozygotes.

Submissions (4):

Color Diagnostics, LLC DBA Color Health
Classification: Likely benign for Hereditary cancer-predisposing syndrome. Last evaluated: 2025-12-10. Review status: criteria provided, single submitter. Criteria: ACMG Guidelines, 2015. Collection method: clinical testing. Allele origin: germline.

Labcorp Genetics (formerly Invitae), Labcorp
Classification: Benign for Familial adenomatous polyposis 1. Last evaluated: 2025-04-11. Review status: criteria provided, single submitter. Criteria: Invitae Variant Classification Sherloc (09022015). Collection method: clinical testing. Allele origin: germline.

All of Us Research Program, National Institutes of Health
Classification: Uncertain significance for Classic or attenuated familial adenomatous polyposis. Last evaluated: 2024-05-14. Review status: criteria provided, single submitter. Criteria: ACMG Guidelines, 2015. Collection method: clinical testing. Allele origin: germline. Inheritance: Autosomal dominant inheritance. Observed: 1 variant allele, 1 heterozygote.
Comment: This missense variant replaces histidine with proline at codon 1738 of the APC protein. Computational prediction is inconclusive regarding the impact of this variant on protein structure and function (internally defined REVEL score threshold 0.5 < inconclusive < 0.7, PMID: 27666373). To our knowledge, functional studies have not been reported for this variant. In a case-control study, this variant was identified in 7/12501 colorectal cancer cases & 6/23705 controls (PMID: 33309985). This variant has been observed as homozgyous in an individual affected with familial adenomatous polyposis (FAP) who also had multiplex ligation-dependent probe amplification testing showing a large heterozygous deletion of the APC gene (PMID: 35189564). This variant has been identified in 1/250664 chromosomes in the general population by the Genome Aggregation Database (gnomAD). The available evidence is insufficient to determine the role of this variant in disease conclusively. Therefore, this variant is classified as a Variant of Uncertain Significance.

This study involves interpretation of variants in research participants for the purpose of population health screening. Participant phenotype was not available at the time of variant classification. Additional details can be found in publication PMID: 35346344, PMCID: PMC8962531

Ambry Genetics
Classification: Uncertain significance for Hereditary cancer-predisposing syndrome. Last evaluated: 2023-08-03. Review status: criteria provided, single submitter. Criteria: Ambry Variant Classification Scheme 2023. Collection method: clinical testing. Allele origin: germline.
Comment: The p.H1738P variant (also known as c.5213A>C), located in coding exon 15 of the APC gene, results from an A to C substitution at nucleotide position 5213. The histidine at codon 1738 is replaced by proline, an amino acid with similar properties. This variant has been identified in 7/12503 unselected Japanese colorectal cancer patients and in 6/23705 controls (Fujita M et al. Clin Gastroenterol Hepatol, 2022 Sep;20:2132-2141.e9). This amino acid position is well conserved in available vertebrate species. In addition, in silico predictors for this gene do not accurately predict pathogenicity. Since supporting evidence is limited at this time, the clinical significance of this alteration remains unclear.

Literature cited by the submitters: PubMed 33309985 (cited by All of Us Research Program, National Institutes of Health and Ambry Genetics); PubMed 35189564 (cited by All of Us Research Program, National Institutes of Health).

NM_000038.6(APC):c.5213A>C (p.His1738Pro)

Gene: APC (APC regulator of Wnt signaling pathway; plus strand). Cytogenetic location: 5q22.2.
Variant type: single nucleotide variant.
Coding change: c.5213A>C on transcript NM_000038.6 (MANE Select); coding-DNA position 5213, A replaced by C.
Protein change: p.His1738Pro; replaces histidine 1738 with proline.
Molecular consequence: missense variant.
Genome position (GRCh38, 1-based): chr5:112,840,807, A>C. VCF-style: chr5-112840807-A-C. GRCh37 (hg19) VCF-style: chr5-112176504-A-C.
Other names: c.5213A>C, p.His1738Pro (NM_001127510.3, NM_001354895.2); c.5159A>C, p.His1720Pro (NM_001127511.3); c.5267A>C, p.His1756Pro (NM_001354896.2); c.5243A>C, p.His1748Pro (NM_001354897.2); c.5138A>C, p.His1713Pro (NM_001354898.2); c.5129A>C, p.His1710Pro (NM_001354899.2); c.5090A>C, p.His1697Pro (NM_001354900.2); c.5036A>C, p.His1679Pro (NM_001354901.2); and 5 more; short protein forms H1720P, H1738P, H1455P, H1612P, H1697P, H1578P, H1637P, H1647P.
Identifiers: ClinVar variation 188176 (VCV000188176.16), dbSNP rs149882057, ClinGen allele CA009926.